The following is an entry in ClinVar:

NM_006389.5(HYOU1):c.2443C>T (p.Arg815Cys)

Gene: HYOU1 (hypoxia up-regulated 1; minus strand). Cytogenetic location: 11q23.3.
Variant type: single nucleotide variant.
Coding change: c.2443C>T on transcript NM_006389.5 (MANE Select); coding-DNA position 2443, C replaced by T.
Protein change: p.Arg815Cys; replaces arginine 815 with cysteine.
Molecular consequence: missense variant.
Genome position (GRCh38, 1-based): chr11:119,048,014, G>A on the plus strand (C>T on the coding strand, the complement: HYOU1 is on the minus strand). VCF-style: chr11-119048014-G-A. GRCh37 (hg19) VCF-style: chr11-118918726-G-A.
Other names: c.2443C>T, p.Arg815Cys (NM_001130991.3, NM_001411041.1); short protein forms R815C.
Identifiers: ClinVar variation 2054552 (VCV002054552.4), dbSNP rs1944187985, ClinGen allele CA382924248.

ClinVar aggregate classification (germline): Uncertain significance (1 of 4 stars; one submission).

Allele frequency attached by ClinVar (database versions not stated): gnomAD exomes 0.00001.

Submission:

Labcorp Genetics (formerly Invitae), Labcorp
Classification: Uncertain significance. Last evaluated: 2023-11-27. Review status: criteria provided, single submitter. Criteria: Invitae Variant Classification Sherloc (09022015). Collection method: clinical testing. Allele origin: germline.
Comment: This sequence change replaces arginine, which is basic and polar, with cysteine, which is neutral and slightly polar, at codon 815 of the HYOU1 protein (p.Arg815Cys). This variant is not present in population databases (gnomAD no frequency). This variant has not been reported in the literature in individuals affected with HYOU1-related conditions. ClinVar contains an entry for this variant (Variation ID: 2054552). An algorithm developed to predict the effect of missense changes on protein structure and function (PolyPhen-2) suggests that this variant is likely to be disruptive. In summary, the available evidence is currently insufficient to determine the role of this variant in disease. Therefore, it has been classified as a Variant of Uncertain Significance.